The following is an entry in ClinVar:

NM_003545.4(H4C5):c.2T>G (p.Met1Arg)

Genes: H4C5 (H4 clustered histone 5; plus strand), LOC129996026 (ATAC-STARR-seq lymphoblastoid active region 24207; plus strand). Cytogenetic location: 6p22.2.
Variant type: single nucleotide variant.
Coding change: c.2T>G on transcript NM_003545.4 (MANE Select); coding-DNA position 2, T replaced by G.
Protein change: p.Met1Arg; changes the start codon (methionine 1).
Molecular consequence: missense variant, initiator codon variant.
Genome position (GRCh38, 1-based): chr6:26,204,646, T>G. VCF-style: chr6-26204646-T-G. GRCh37 (hg19) VCF-style: chr6-26204874-T-G.
Other names: short protein forms M1R.
Identifiers: ClinVar variation 4281282 (VCV004281282.7).

ClinVar aggregate classification (germline): Uncertain significance (1 of 4 stars; one submission).

Submission:

CeGaT Center for Human Genetics Tuebingen
Classification: Uncertain significance. Last evaluated: 2025-09-01. Review status: criteria provided, single submitter. Criteria: CeGaT Center For Human Genetics Tuebingen Variant Classification Criteria Version 2. Collection method: clinical testing. Allele origin: germline. Affected: yes. Observed: 1 variant allele.
Comment: H4C5: PM2